The following is an entry in ClinVar:

NM_015474.4(SAMHD1):c.1271-3C>T

Gene: SAMHD1 (SAM and HD domain containing deoxynucleoside triphosphate triphosphohydrolase 1; minus strand). Cytogenetic location: 20q11.23.
Variant type: single nucleotide variant.
Coding change: c.1271-3C>T on transcript NM_015474.4 (MANE Select); 3 bases into the intron before coding-DNA position 1271, C replaced by T.
Molecular consequence: intron variant.
Genome position (GRCh38, 1-based): chr20:36,905,506, G>A on the plus strand (C>T on the coding strand, the complement: SAMHD1 is on the minus strand). VCF-style: chr20-36905506-G-A. GRCh37 (hg19) VCF-style: chr20-35533909-G-A.
Other names: c.1271-3C>T (NM_001363729.2, NM_001363733.2).
Identifiers: ClinVar variation 2202211 (VCV002202211.1), dbSNP rs200101782, ClinGen allele CA9844541.

ClinVar aggregate classification (germline): Uncertain significance (1 of 4 stars; one submission).

Conditions:
Aicardi-Goutieres syndrome 5. Identifiers: Orphanet 51, MedGen C2749659, MONDO:0013059, OMIM 612952.

Allele frequency attached by ClinVar (database versions not stated): gnomAD exomes 0.00001; TOPMed 0.00001; gnomAD 0.00004; ExAC 0.00005; 1000 Genomes Project 30x 0.00078; 1000 Genomes Project 0.00100.
gnomAD v4.1: 20 of 1,597,534 alleles (0.0013%); highest among the groups gnomAD compares: East Asian, 0.04%; no homozygotes.

Submission:

Labcorp Genetics (formerly Invitae), Labcorp
Classification: Uncertain significance for Aicardi-Goutieres syndrome 5. Last evaluated: 2022-08-09. Review status: criteria provided, single submitter. Criteria: Invitae Variant Classification Sherloc (09022015). Collection method: clinical testing. Allele origin: germline.
Comment: This sequence change falls in intron 11 of the SAMHD1 gene. It does not directly change the encoded amino acid sequence of the SAMHD1 protein. It affects a nucleotide within the consensus splice site. This variant is present in population databases (rs200101782, gnomAD 0.06%). This variant has not been reported in the literature in individuals affected with SAMHD1-related conditions. Variants that disrupt the consensus splice site are a relatively common cause of aberrant splicing (PMID: 17576681, 9536098). Algorithms developed to predict the effect of sequence changes on RNA splicing suggest that this variant may disrupt the consensus splice site. In summary, the available evidence is currently insufficient to determine the role of this variant in disease. Therefore, it has been classified as a Variant of Uncertain Significance.

Literature cited by the submitters: PubMed 17576681; PubMed 9536098.